The following is an entry in ClinVar:

NM_001374736.1(DST):c.19716G>A (p.Leu6572=)

Gene: DST (dystonin; minus strand). Cytogenetic location: 6p12.1.
Variant type: single nucleotide variant.
Coding change: c.19716G>A on transcript NM_001374736.1 (MANE Select); coding-DNA position 19716, G replaced by A.
Protein change: p.Leu6572=; no amino-acid change (leucine 6572 retained).
Molecular consequence: synonymous variant.
Genome position (GRCh38, 1-based): chr6:56,501,544, C>T on the plus strand (G>A on the coding strand, the complement: DST is on the minus strand). VCF-style: chr6-56501544-C-T. GRCh37 (hg19) VCF-style: chr6-56366342-C-T.
Other names: c.13359G>A, p.Leu4453= (NM_001144769.5); c.12945G>A, p.Leu4315= (NM_001144770.2); c.19716G>A, p.Leu6572= (NM_001374722.1); c.18756G>A, p.Leu6252= (NM_001374729.1); c.12498G>A, p.Leu4166= (NM_001374730.1); c.19743G>A, p.Leu6581= (NM_001374734.1); c.12825G>A, p.Leu4275= (NM_001386100.1, NM_183380.4); c.11847G>A, p.Leu3949= (NM_015548.5).
Identifiers: ClinVar variation 3039522 (VCV003039522.2), dbSNP rs2534157281, ClinGen allele CA450490077.

ClinVar aggregate classification (germline): Likely benign (0 of 4 stars; one submission).

Conditions:
DST-related disorder. Also called: DST-related condition; DST-related disorders.

Submission:

PreventionGenetics, part of Exact Sciences
Classification: Likely benign for DST-related condition. Last evaluated: 2019-05-28. Review status: no assertion criteria provided. Collection method: clinical testing. Allele origin: germline.
Comment: This variant is classified as likely benign based on ACMG/AMP sequence variant interpretation guidelines (Richards et al. 2015 PMID: 25741868, with internal and published modifications).